The following is an entry in ClinVar:

ClinVar aggregate classification (germline): Benign (1 of 4 stars; one submission).

Allele frequency attached by ClinVar (database versions not stated): 1000 Genomes Project 30x 0.00031; 1000 Genomes Project 0.00040; ESP Exome Variant Server 0.00048; ExAC 0.00131.
gnomAD v4.1: 1,508 of 1,611,652 alleles (0.094%); highest among the groups gnomAD compares: Admixed American, 0.15%; 5 homozygotes.

Submission:

CeGaT Center for Human Genetics Tuebingen
Classification: Benign. Last evaluated: 2022-08-01. Review status: criteria provided, single submitter. Criteria: CeGaT Center For Human Genetics Tuebingen Variant Classification Criteria Version 2. Collection method: clinical testing. Allele origin: germline. Affected: yes. Observed: 1 variant allele.
Comment: SPTBN5: BS1, BS2

NM_016642.4(SPTBN5):c.9165C>T (p.Ile3055=)

Gene: SPTBN5 (spectrin beta, non-erythrocytic 5; minus strand). Cytogenetic location: 15q15.1.
Variant type: single nucleotide variant.
Coding change: c.9165C>T on transcript NM_016642.4 (MANE Select); coding-DNA position 9165, C replaced by T.
Protein change: p.Ile3055=; no amino-acid change (isoleucine 3055 retained).
Molecular consequence: synonymous variant.
Genome position (GRCh38, 1-based): chr15:41,855,602, G>A on the plus strand (C>T on the coding strand, the complement: SPTBN5 is on the minus strand). VCF-style: chr15-41855602-G-A. GRCh37 (hg19) VCF-style: chr15-42147800-G-A.
Identifiers: ClinVar variation 2645209 (VCV002645209.24), dbSNP rs374980751, ClinGen allele CA7501577.
Genomic context (GRCh38, chr15:41,855,602, plus strand): 5'-CGCCCACCTTTCTGGGTTCTTCCTGCTCTCCAGGAGTGCTGCTGTCTGCTGCAGCCGCTC[G>A]ATGCGTGGGCTGAACGCTTCCAGGTCTCTCTTGGTGGCCTCCAGCCGCCGCAGAAGGGCC-3'
Protein context (NP_057726.4, residues 3045-3065): KRDLEAFSPR[Ile3055=]ERLQQTAALL